The following is an entry in ClinVar:

NM_000466.3(PEX1):c.3577del (p.Arg1193fs)

Genes: GATAD1 (GATA zinc finger domain containing 1; plus strand), PEX1 (peroxisomal biogenesis factor 1; minus strand). Cytogenetic location: 7q21.2.
Variant type: Deletion.
Coding change: c.3577del on transcript NM_000466.3 (MANE Select); coding-DNA position 3577, one base deleted (A; older notation c.3577delA).
Protein change: p.Arg1193fs; shifts the reading frame from arginine 1193.
Molecular consequence: frameshift variant.
Genome position (GRCh38, 1-based): chr7:92,489,773, T deleted on the plus strand (A on the coding strand, the reverse complement: PEX1 is on the minus strand); the first of 3 consecutive T bases (chr7:92,489,773-92,489,775); deleting any one gives the same sequence. VCF-style (leftmost placement, unchanged base first): chr7-92489772-CT-C. GRCh37 (hg19) VCF-style: chr7-92119086-CT-C.
Other names: c.3406del, p.Arg1136fs (NM_001282677.2); c.2953del, p.Arg985fs (NM_001282678.2); c.3577delA (NM_000466.2); short protein forms R1193fs, R1136fs, R985fs.
Identifiers: ClinVar variation 3594930 (VCV003594930.2).

ClinVar aggregate classification (germline): Likely pathogenic. Review status: criteria provided, multiple submitters, no conflicts (2 of 4 stars). 2 submissions from 2 submitters: Likely pathogenic (2). Last evaluated 2024-09-21.

Conditions:
Heimler syndrome 1 (HMLR1). Also called: PEROXISOME BIOGENESIS DISORDER 1C. Identifiers: Orphanet 3220, MedGen C4551980, OMIM 234580, MONDO:0024544.
Peroxisome biogenesis disorder 1B (PBD1B). Also called: Refsum disease, infantile form; Infantile Refsum disease; Infantile form of phytanic acid storage disease; PEROXISOME BIOGENESIS DISORDER (NEONATAL ADRENOLEUKODYSTROPHY/INFANTILE REFSUM DISEASE); INFANTILE PHYTANIC ACID STORAGE DISEASE; PEROXISOME BIOGENESIS DISORDER (NALD/IRD). Identifiers: Orphanet 44, MedGen C0282527, MONDO:0011101, OMIM 601539.
Peroxisome biogenesis disorder 1A (Zellweger) (PBD1A). Also called: Zellweger leukodystrophy; Peroxisome biogenesis disorder 1a. Identifiers: MedGen C4721541, MONDO:0008953, OMIM 214100.
Zellweger spectrum disorders (ZS). Also called: Zellweger Spectrum Disorder; Zellweger Spectrum; Zellweger syndrome; Zellweger Spectrum Disorder (ZSD). Identifiers: Orphanet 912, MedGen C0043459, MONDO:0019609.

Submissions (2):

Natera, Inc.
Classification: Likely pathogenic for Zellweger syndrome. Last evaluated: 2024-09-21. Review status: criteria provided, single submitter. Criteria: Natera Variant Classification Schema (03/2026). Collection method: clinical testing. Allele origin: germline.
Comment: The c.3577delA variant in PEX1 is a frameshift variant predicted to shift the reading frame beginning at codon 1193 and leads to a stop codon 4 codons downstream. This variant is expected to result in nonsense mediated decay, truncation, or a dysfunctional protein product. This variant is rare in the general population with a frequency below the threshold expected for the associated phenotype(s). Given the available evidence, this variant is classified as Likely Pathogenic.

Fulgent Genetics
Classification: Likely pathogenic for Peroxisome biogenesis disorder 1A (Zellweger); Heimler syndrome 1; Peroxisome biogenesis disorder 1B. Last evaluated: 2024-06-05. Review status: criteria provided, single submitter. Criteria: ACMG Guidelines, 2015. Collection method: clinical testing. Allele origin: germline.